The following is an entry in ClinVar:

ClinVar aggregate classification (germline): Uncertain significance (1 of 4 stars; one submission).

gnomAD v4.1: 1 of 1,612,610 alleles (0.000062%); highest among the groups gnomAD compares: Non-Finnish European, 0.000085%; no homozygotes.

Submission:

Labcorp Genetics (formerly Invitae), Labcorp
Classification: Uncertain significance. Last evaluated: 2025-06-09. Review status: criteria provided, single submitter. Criteria: Invitae Variant Classification Sherloc (09022015). Collection method: clinical testing. Allele origin: germline.
Comment: This sequence change replaces valine, which is neutral and non-polar, with leucine, which is neutral and non-polar, at codon 433 of the DVL1 protein (p.Val433Leu). This variant is present in population databases (no rsID available, gnomAD 0.0009%). This variant has not been reported in the literature in individuals affected with DVL1-related conditions. ClinVar contains an entry for this variant (Variation ID: 2779805). Invitae Evidence Modeling of protein sequence and biophysical properties (such as structural, functional, and spatial information, amino acid conservation, physicochemical variation, residue mobility, and thermodynamic stability) indicates that this missense variant is not expected to disrupt DVL1 protein function with a negative predictive value of 80%. In summary, the available evidence is currently insufficient to determine the role of this variant in disease. Therefore, it has been classified as a Variant of Uncertain Significance.

NM_001330311.2(DVL1):c.1372G>C (p.Val458Leu)

Gene: DVL1 (dishevelled segment polarity protein 1; minus strand). Cytogenetic location: 1p36.33.
Variant type: single nucleotide variant.
Coding change: c.1372G>C on transcript NM_001330311.2 (MANE Select); coding-DNA position 1372, G replaced by C.
Protein change: p.Val458Leu; replaces valine 458 with leucine.
Molecular consequence: missense variant.
Genome position (GRCh38, 1-based): chr1:1,338,404, C>G on the plus strand (G>C on the coding strand, the complement: DVL1 is on the minus strand). VCF-style: chr1-1338404-C-G. GRCh37 (hg19) VCF-style: chr1-1273784-C-G.
Other names: c.1297G>C, p.Val433Leu (NM_004421.3); short protein forms V458L, V433L.
Identifiers: ClinVar variation 2779805 (VCV002779805.3), dbSNP rs1463876886, ClinGen allele CA337862709.